The following is an entry in ClinVar:

ClinVar aggregate classification (germline): Pathogenic/Likely pathogenic. Review status: criteria provided, multiple submitters, no conflicts (2 of 4 stars). 3 submissions from 3 submitters: Pathogenic (2); Likely pathogenic (1). Last evaluated 2025-12-23.

Conditions:
Cardiovascular phenotype. Identifiers: MedGen CN230736.
Hereditary cancer-predisposing syndrome. Also called: Neoplastic Syndromes, Hereditary; Tumor predisposition; Hereditary Cancer Syndrome; Hereditary neoplastic syndrome. Identifiers: Orphanet 140162, MedGen C0027672, MeSH D009386, MONDO:0015356.
LZTR1-related schwannomatosis. Also called: Schwannomatosis-2, susceptibility to; Schwannomatosis 2. Identifiers: Orphanet 93921, MedGen C3810283, MONDO:0014299, OMIM 615670.

Submissions (3):

Labcorp Genetics (formerly Invitae), Labcorp
Classification: Pathogenic. Last evaluated: 2025-12-23. Review status: criteria provided, single submitter. Criteria: Invitae Variant Classification Sherloc (09022015). Collection method: clinical testing. Allele origin: germline.
Comment: This sequence change creates a premature translational stop signal (p.Leu350*) in the LZTR1 gene. It is expected to result in an absent or disrupted protein product. Loss-of-function variants in LZTR1 are known to be pathogenic (PMID: 24362817, 25335493, 25480913, 25795793, 29469822, 30368668, 30442762, 30442766, 30481304, 30859559). This variant is present in population databases (rs754691019, gnomAD 0.003%). This variant has not been reported in the literature in individuals affected with LZTR1-related conditions. ClinVar contains an entry for this variant (Variation ID: 1776094). For these reasons, this variant has been classified as Pathogenic.

Institute for Genomic Medicine (IGM) Clinical Laboratory, Nationwide Children's Hospital
Classification: Likely pathogenic for LZTR1-related schwannomatosis. Last evaluated: 2022-11-10. Review status: criteria provided, single submitter. Criteria: ACMG Guidelines, 2015. Collection method: clinical testing. Allele origin: germline.
Comment: This variant is predicted to result in loss of function through nonsense-mediated decay of the encoded transcript or premature truncation of the encoded protein in a gene in which loss of function is a known mechanism of disease (ACMG/AMP: PVS1). This variant is absent from or present at an exceedingly low frequency in gnomAD, a large-scale control population database (ACMG/AMP: PM2).

Ambry Genetics
Classification: Pathogenic for Cardiovascular phenotype; Hereditary cancer-predisposing syndrome. Last evaluated: 2022-09-14. Review status: criteria provided, single submitter. Criteria: Ambry Variant Classification Scheme 2023. Collection method: clinical testing. Allele origin: germline.
Comment: The c.1048delC pathogenic mutation, located in coding exon 10 of the LZTR1 gene, results from a deletion of one nucleotide at nucleotide position 1048, causing a translational frameshift with a predicted alternate stop codon (p.L350*). This alteration is expected to result in loss of function by premature protein truncation or nonsense-mediated mRNA decay. Based on the supporting evidence, this variant is pathogenic for an increased risk of LZTR1-related schwannomatosis (SWN) and would be expected to cause autosomal recessive Noonan syndrome when present along with a second pathogenic or likely pathogenic variant on the other allele; however, the association of this alteration with autosomal dominant Noonan syndrome is unlikely.

Literature cited by the submitters: PubMed 24362817 (cited by Labcorp Genetics (formerly Invitae), Labcorp); PubMed 25335493 (cited by Labcorp Genetics (formerly Invitae), Labcorp); PubMed 25480913 (cited by Labcorp Genetics (formerly Invitae), Labcorp); PubMed 25795793 (cited by Labcorp Genetics (formerly Invitae), Labcorp); PubMed 29469822 (cited by Labcorp Genetics (formerly Invitae), Labcorp); PubMed 30368668 (cited by Labcorp Genetics (formerly Invitae), Labcorp); PubMed 30442762 (cited by Labcorp Genetics (formerly Invitae), Labcorp); PubMed 30442766 (cited by Labcorp Genetics (formerly Invitae), Labcorp); PubMed 30481304 (cited by Labcorp Genetics (formerly Invitae), Labcorp); PubMed 30859559 (cited by Labcorp Genetics (formerly Invitae), Labcorp).

NM_006767.4(LZTR1):c.1048del (p.Thr349_Leu350insTer)

Gene: LZTR1 (leucine zipper like post translational regulator 1; plus strand). Cytogenetic location: 22q11.21.
Variant type: Deletion.
Coding change: c.1048del on transcript NM_006767.4 (MANE Select); coding-DNA position 1048, one base deleted (C; older notation c.1048delC).
Protein change: p.Thr349_Leu350insTer.
Molecular consequence: nonsense.
Genome position (GRCh38, 1-based): chr22:20,992,268, C deleted; the last of 3 consecutive C bases (chr22:20,992,266-20,992,268); deleting any one gives the same sequence. VCF-style (leftmost placement, unchanged base first): chr22-20992265-AC-A. GRCh37 (hg19) VCF-style: chr22-21346554-AC-A.
Identifiers: ClinVar variation 1776094 (VCV001776094.6), dbSNP rs754691019, ClinGen allele CA10118707.